The following is an entry in ClinVar:

NM_001256071.3(RNF213):c.12034T>G (p.Cys4012Gly)

Genes: RNF213 (ring finger protein 213; plus strand), RNF213-AS1 (RNF213 antisense RNA 1; minus strand). Cytogenetic location: 17q25.3.
Variant type: single nucleotide variant.
Coding change: c.12034T>G on transcript NM_001256071.3 (MANE Select); coding-DNA position 12034, T replaced by G.
Protein change: p.Cys4012Gly; replaces cysteine 4012 with glycine.
Molecular consequence: missense variant.
Genome position (GRCh38, 1-based): chr17:80,368,022, T>G. VCF-style: chr17-80368022-T-G. GRCh37 (hg19) VCF-style: chr17-78341822-T-G.
Other names: c.12181T>G, p.Cys4061Gly (NM_001410195.1, NM_020914.5); short protein forms C4012G, C4061G.
Identifiers: ClinVar variation 4076380 (VCV004076380.1).

ClinVar aggregate classification (germline): Uncertain significance (1 of 4 stars; one submission).

Conditions:
Moyamoya disease 2 (MYMY2). Also called: MOYAMOYA DISEASE 2, SUSCEPTIBILITY TO. Identifiers: Orphanet 2573, MedGen C1846689, MONDO:0011784, OMIM 607151.

Submission:

Laboratorio de Genetica e Diagnostico Molecular, Hospital Israelita Albert Einstein
Classification: Uncertain significance for Moyamoya disease 2. Last evaluated: 2023-12-10. Review status: criteria provided, single submitter. Criteria: ACMG Guidelines, 2015. Collection method: clinical testing. Allele origin: germline. Affected: yes.
Comment: ACMG classification criteria: PM2 moderate, PP3 supporting